The following is an entry in ClinVar:

ClinVar aggregate classification (germline): Uncertain significance (1 of 4 stars; one submission).

Submission:

Labcorp Genetics (formerly Invitae), Labcorp
Classification: Uncertain significance. Last evaluated: 2022-11-01. Review status: criteria provided, single submitter. Criteria: Invitae Variant Classification Sherloc (09022015). Collection method: clinical testing. Allele origin: germline.
Comment: In summary, the available evidence is currently insufficient to determine the role of this variant in disease. Therefore, it has been classified as a Variant of Uncertain Significance. Algorithms developed to predict the effect of missense changes on protein structure and function (SIFT, PolyPhen-2, Align-GVGD) all suggest that this variant is likely to be tolerated. ClinVar contains an entry for this variant (Variation ID: 1461550). This variant has not been reported in the literature in individuals affected with TMEM126A-related conditions. This variant is not present in population databases (gnomAD no frequency). This sequence change replaces cysteine, which is neutral and slightly polar, with arginine, which is basic and polar, at codon 85 of the TMEM126A protein (p.Cys85Arg).

NM_032273.4(TMEM126A):c.253T>C (p.Cys85Arg)

Gene: TMEM126A (transmembrane protein 126A; plus strand). Cytogenetic location: 11q14.1.
Variant type: single nucleotide variant.
Coding change: c.253T>C on transcript NM_032273.4 (MANE Select); coding-DNA position 253, T replaced by C.
Protein change: p.Cys85Arg; replaces cysteine 85 with arginine.
Molecular consequence: missense variant.
Genome position (GRCh38, 1-based): chr11:85,654,229, T>C. VCF-style: chr11-85654229-T-C. GRCh37 (hg19) VCF-style: chr11-85365273-T-C.
Other names: c.43T>C, p.Cys15Arg (NM_001244735.2); short protein forms C85R, C15R.
Identifiers: ClinVar variation 1461550 (VCV001461550.8), dbSNP rs2153313319, ClinGen allele CA381996304.
Genomic context (GRCh38, chr11:85,654,229, plus strand): 5'-ATAGCTGCTGGCTTACCAATGGCAGGGATACCTTTTCTTACAACAGACTTAACTTACAGA[T>C]GTTTTGTAAGTTTTCCTTTGAATACAGGTAAATTCTACTTCACTATCACCAAAGAGTTTG-3'
Protein context (NP_115649.1, residues 75-95): PFLTTDLTYR[Cys85Arg]FVSFPLNTGD